The following is an entry in ClinVar:

NM_004656.4(BAP1):c.2057-5C>T

Gene: BAP1 (BRCA1 associated deubiquitinase 1; minus strand). Cytogenetic location: 3p21.1.
Variant type: single nucleotide variant.
Coding change: c.2057-5C>T on transcript NM_004656.4 (MANE Select); 5 bases into the intron before coding-DNA position 2057, C replaced by T.
Molecular consequence: intron variant.
Genome position (GRCh38, 1-based): chr3:52,402,426, G>A on the plus strand (C>T on the coding strand, the complement: BAP1 is on the minus strand). VCF-style: chr3-52402426-G-A. GRCh37 (hg19) VCF-style: chr3-52436442-G-A.
Identifiers: ClinVar variation 628595 (VCV000628595.19), dbSNP rs770925902, ClinGen allele CA2436598.
Genomic context (GRCh38, chr3:52,402,426, plus strand): 5'-GACCCCTTGGCGCCGCCGCACGGAGATGTTCTGCTCCACTAGGTTGGCCAGCATGCCTGC[G>A]AAGAGGTAGAGACCCTTGAGCAGGTGCTGGCTGCCTCAGGCCAGGAGCTGAGGCTCTCAT-3'

ClinVar aggregate classification (germline): Likely benign. Review status: criteria provided, multiple submitters, no conflicts (2 of 4 stars). 5 submissions from 5 submitters: Likely benign (5). Last evaluated 2025-06-10.

Conditions:
Hereditary cancer-predisposing syndrome. Also called: Tumor predisposition; Neoplastic Syndromes, Hereditary; Hereditary Cancer Syndrome; Hereditary neoplastic syndrome. Identifiers: Orphanet 140162, MedGen C0027672, MeSH D009386, MONDO:0015356.
BAP1-related tumor predisposition syndrome (TPDS1). Also called: Tumor susceptibility linked to germline BAP1 mutations; COMMON Syndrome; BAP1 tumor predisposition syndrome; TUMOR PREDISPOSITION SYNDROME 1. Identifiers: Orphanet 289539, MedGen C3280492, MONDO:0013692, OMIM 614327.

Allele frequency attached by ClinVar (database versions not stated): TOPMed below 0.00001; gnomAD exomes 0.00001; ExAC 0.00003.

Submissions (5):

Labcorp Genetics (formerly Invitae), Labcorp
Classification: Likely benign for BAP1-related tumor predisposition syndrome. Last evaluated: 2025-06-10. Review status: criteria provided, single submitter. Criteria: Invitae Variant Classification Sherloc (09022015). Collection method: clinical testing. Allele origin: germline.

Myriad Genetics, Inc.
Classification: Likely benign for BAP1-related tumor predisposition syndrome. Last evaluated: 2024-07-17. Review status: criteria provided, single submitter. Criteria: Myriad Autosomal Dominant, Autosomal Recessive and X-Linked Classification Criteria (2023). Collection method: clinical testing. Allele origin: unknown.
Comment: This variant is considered likely benign. This variant is intronic and is not expected to impact mRNA splicing.

Ambry Genetics
Classification: Likely benign for Hereditary cancer-predisposing syndrome. Last evaluated: 2022-04-06. Review status: criteria provided, single submitter. Criteria: Ambry Variant Classification Scheme 2023. Collection method: clinical testing. Allele origin: germline.

Blueprint Genetics
Classification: Likely benign. Last evaluated: 2020-04-07. Review status: criteria provided, single submitter. Criteria: ACMG Guidelines, 2015. Collection method: clinical testing. Allele origin: germline.

Color Diagnostics, LLC DBA Color Health
Classification: Likely benign for Hereditary cancer-predisposing syndrome. Last evaluated: 2016-07-27. Review status: criteria provided, single submitter. Criteria: ACMG Guidelines, 2015. Collection method: clinical testing. Allele origin: germline.